The following is an entry in ClinVar:

NM_004924.6(ACTN4):c.1154A>G (p.Asn385Ser)

Gene: ACTN4 (actinin alpha 4; plus strand). Cytogenetic location: 19q13.2.
Variant type: single nucleotide variant.
Coding change: c.1154A>G on transcript NM_004924.6 (MANE Select); coding-DNA position 1154, A replaced by G.
Protein change: p.Asn385Ser; replaces asparagine 385 with serine.
Molecular consequence: missense variant.
Genome position (GRCh38, 1-based): chr19:38,717,937, A>G. VCF-style: chr19-38717937-A-G. GRCh37 (hg19) VCF-style: chr19-39208577-A-G.
Other names: c.1154A>G (NM_004924.4); c.1154A>G, p.Asn385Ser (NM_001322033.2); short protein forms N385S.
Identifiers: ClinVar variation 1690958 (VCV001690958.7), dbSNP rs779173708, ClinGen allele CA9417544.

ClinVar aggregate classification (germline): Uncertain significance. Review status: criteria provided, multiple submitters, no conflicts (2 of 4 stars). 3 submissions from 3 submitters: Uncertain significance (3). Last evaluated 2025-07-21.

Conditions:
Inborn genetic diseases. Identifiers: MedGen C0950123, MeSH D030342.

Allele frequency attached by ClinVar (database versions not stated): gnomAD exomes 0.00001 and 0.00003; ExAC 0.00006; gnomAD 0.00001; TOPMed 0.00003.
gnomAD v4.1: 18 of 1,601,496 alleles (0.0011%); highest among the groups gnomAD compares: Admixed American, 0.014%; no homozygotes.

Submissions (3):

Labcorp Genetics (formerly Invitae), Labcorp
Classification: Uncertain significance. Last evaluated: 2025-07-21. Review status: criteria provided, single submitter. Criteria: Invitae Variant Classification Sherloc (09022015). Collection method: clinical testing. Allele origin: germline.
Comment: This sequence change replaces asparagine, which is neutral and polar, with serine, which is neutral and polar, at codon 385 of the ACTN4 protein (p.Asn385Ser). This variant is present in population databases (rs779173708, gnomAD 0.02%). This variant has not been reported in the literature in individuals affected with ACTN4-related conditions. ClinVar contains an entry for this variant (Variation ID: 1690958). Invitae Evidence Modeling of protein sequence and biophysical properties (such as structural, functional, and spatial information, amino acid conservation, physicochemical variation, residue mobility, and thermodynamic stability) indicates that this missense variant is not expected to disrupt ACTN4 protein function with a negative predictive value of 80%. In summary, the available evidence is currently insufficient to determine the role of this variant in disease. Therefore, it has been classified as a Variant of Uncertain Significance.

Ambry Genetics
Classification: Uncertain significance for Inborn genetic diseases. Last evaluated: 2021-06-11. Review status: criteria provided, single submitter. Criteria: Ambry Variant Classification Scheme 2023. Collection method: clinical testing. Allele origin: germline.

Laboratorio de Genetica e Diagnostico Molecular, Hospital Israelita Albert Einstein
Classification: Uncertain significance. Last evaluated: 2020-11-09. Review status: criteria provided, single submitter. Criteria: ACMG Guidelines, 2015. Collection method: clinical testing. Allele origin: germline. Affected: yes.
Comment: ACMG classification criteria: PP2, BP4